The following is an entry in ClinVar:

ClinVar aggregate classification (germline): Pathogenic (1 of 4 stars; one submission).

Conditions:
Maple syrup urine disease type 1B (MSUD1B). Also called: MSUD type IB; MSUD type 3 (formerly); MSUD due to deficiency of e1-beta subunit of branched-chain alpha-keto acid dehydrogenase complex. Identifiers: MedGen C2930990, MONDO:0023692, OMIM 620698.

Submission:

Myriad Genetics, Inc.
Classification: Pathogenic for Maple syrup urine disease type 1B. Last evaluated: 2025-12-01. Review status: criteria provided, single submitter. Criteria: Myriad Autosomal Dominant, Autosomal Recessive and X-Linked Classification Criteria (2023). Collection method: clinical testing. Allele origin: unknown.
Comment: NM_183050.2(BCKDHB):c.877G>T(E293*) is expected to be pathogenic in the context of maple syrup urine disease type Ib. This variant is predicted to lead to an abnormal or absent protein product due to the creation of a premature termination codon in BCKDHB, a gene where loss-of-function variants are known to be pathogenic. Please note: this variant was assessed in the context of healthy population screening.

NM_183050.4(BCKDHB):c.877G>T (p.Glu293Ter)

Gene: BCKDHB (branched chain keto acid dehydrogenase E1 subunit beta; plus strand). Cytogenetic location: 6q14.1.
Variant type: single nucleotide variant.
Coding change: c.877G>T on transcript NM_183050.4 (MANE Select); coding-DNA position 877, G replaced by T.
Protein change: p.Glu293Ter; replaces glutamic acid 293 with a stop codon.
Molecular consequence: nonsense. On other transcripts: non-coding transcript variant (6).
Genome position (GRCh38, 1-based): chr6:80,203,138, G>T. VCF-style: chr6-80203138-G-T. GRCh37 (hg19) VCF-style: chr6-80912855-G-T.
Other names: c.877G>T, p.Glu293Ter (NM_000056.5, NM_001424035.1, NM_001424036.1 and 7 more transcripts); c.667G>T, p.Glu223Ter (NM_001318975.1, NM_001424043.1); short protein forms E223*, E293*.
Identifiers: ClinVar variation 5015284 (VCV005015284.1).